The following is an entry in ClinVar:

ClinVar aggregate classification (germline): Uncertain significance (1 of 4 stars; one submission).

gnomAD v4.1: 49 of 1,613,572 alleles (0.003%); highest among the groups gnomAD compares: South Asian, 0.048%; no homozygotes.

Submission:

Labcorp Genetics (formerly Invitae), Labcorp
Classification: Uncertain significance. Last evaluated: 2023-07-17. Review status: criteria provided, single submitter. Criteria: Invitae Variant Classification Sherloc (09022015). Collection method: clinical testing. Allele origin: germline.
Comment: In summary, the available evidence is currently insufficient to determine the role of this variant in disease. Therefore, it has been classified as a Variant of Uncertain Significance. An algorithm developed to predict the effect of missense changes on protein structure and function (PolyPhen-2) suggests that this variant is likely to be disruptive. This variant has not been reported in the literature in individuals affected with AEBP1-related conditions. This variant is present in population databases (rs373830686, gnomAD 0.05%). This sequence change replaces aspartic acid, which is acidic and polar, with asparagine, which is neutral and polar, at codon 427 of the AEBP1 protein (p.Asp427Asn).

NM_001129.5(AEBP1):c.1279G>A (p.Asp427Asn)

Gene: AEBP1 (AE binding protein 1; plus strand). Cytogenetic location: 7p13.
Variant type: single nucleotide variant.
Coding change: c.1279G>A on transcript NM_001129.5 (MANE Select); coding-DNA position 1279, G replaced by A.
Protein change: p.Asp427Asn; replaces aspartic acid 427 with asparagine.
Molecular consequence: missense variant.
Genome position (GRCh38, 1-based): chr7:44,110,225, G>A. VCF-style: chr7-44110225-G-A. GRCh37 (hg19) VCF-style: chr7-44149824-G-A.
Other names: short protein forms D427N.
Identifiers: ClinVar variation 2956219 (VCV002956219.3), dbSNP rs373830686, ClinGen allele CA4237842.